The following is an entry in ClinVar:

ClinVar aggregate classification (germline): Uncertain significance (1 of 4 stars; one submission).

Conditions:
Inborn genetic diseases. Identifiers: MedGen C0950123, MeSH D030342.

Submission:

Ambry Genetics
Classification: Uncertain significance for Inborn genetic diseases. Last evaluated: 2025-01-29. Review status: criteria provided, single submitter. Criteria: Ambry Variant Classification Scheme 2023. Collection method: clinical testing. Allele origin: germline.
Comment: The p.E306D variant (also known as c.918A>T), located in coding exon 1 of the SAMD9 gene, results from an A to T substitution at nucleotide position 918. The glutamic acid at codon 306 is replaced by aspartic acid, an amino acid with highly similar properties. This amino acid position is conserved. In addition, this alteration is predicted to be tolerated by in silico analysis. Based on the available evidence, the clinical significance of this variant remains unclear.

NM_017654.4(SAMD9):c.918A>T (p.Glu306Asp)

Gene: SAMD9 (sterile alpha motif domain containing 9; minus strand). Cytogenetic location: 7q21.2.
Variant type: single nucleotide variant.
Coding change: c.918A>T on transcript NM_017654.4 (MANE Select); coding-DNA position 918, A replaced by T.
Protein change: p.Glu306Asp; replaces glutamic acid 306 with aspartic acid.
Molecular consequence: missense variant.
Genome position (GRCh38, 1-based): chr7:93,105,180, T>A on the plus strand (A>T on the coding strand, the complement: SAMD9 is on the minus strand). VCF-style: chr7-93105180-T-A. GRCh37 (hg19) VCF-style: chr7-92734493-T-A.
Other names: c.918A>T, p.Glu306Asp (NM_001193307.2); short protein forms E306D.
Identifiers: ClinVar variation 3792031 (VCV003792031.1).